The following is an entry in ClinVar:

NM_138773.4(SLC25A46):c.284-8dup

Gene: SLC25A46 (solute carrier family 25 member 46; plus strand). Cytogenetic location: 5q22.1.
Variant type: Duplication.
Coding change: c.284-8dup on transcript NM_138773.4 (MANE Select); 8 bases into the intron before coding-DNA position 284, one base duplicated (T; older notation c.284-8dupT).
Molecular consequence: intron variant.
Genome position (GRCh38, 1-based): chr5:110,742,039, T duplicated; the last of 9 consecutive T bases (chr5:110,742,031-110,742,039); duplicating any one gives the same sequence. VCF-style (leftmost placement, unchanged base first): chr5-110742030-A-AT. GRCh37 (hg19) VCF-style: chr5-110077731-A-AT.
Other names: c.11-8dup (NM_001303250.3); c.284-8dupT (NM_138773.3); c.284-8dup (NM_001303249.3).
Identifiers: ClinVar variation 1578721 (VCV001578721.14), dbSNP rs559871816, ClinGen allele CA3364525.

ClinVar aggregate classification (germline): Benign/Likely benign. Review status: criteria provided, multiple submitters, no conflicts (2 of 4 stars). 3 submissions from 3 submitters: Benign (1); Likely benign (1). 1 of the submissions does not count toward it. Last evaluated 2025-05-02.

Conditions:
SLC25A46-related disorder. Also called: SLC25A46-related condition.
Neuropathy, hereditary motor and sensory, type 6B (HMSN6B). Also called: HMSN VIB; CHARCOT-MARIE-TOOTH DISEASE, TYPE 6B; Neuropathy, hereditary motor and sensory, type VIB; NEUROPATHY, HEREDITARY MOTOR AND SENSORY, TYPE VIB, WITH OPTIC ATROPHY. Identifiers: MedGen C4225302, MONDO:0014671, OMIM 616505.

Submissions (3):

Labcorp Genetics (formerly Invitae), Labcorp
Classification: Benign for Neuropathy, hereditary motor and sensory, type 6B. Last evaluated: 2025-05-02. Review status: criteria provided, single submitter. Criteria: Invitae Variant Classification Sherloc (09022015). Collection method: clinical testing. Allele origin: germline.

Blueprint Genetics
Classification: Likely benign. Last evaluated: 2024-06-28. Review status: criteria provided, single submitter. Criteria: ACMG Guidelines, 2015. Collection method: clinical testing. Allele origin: germline.

PreventionGenetics, part of Exact Sciences
Classification: Likely benign for SLC25A46-related condition. Last evaluated: 2020-04-15. Review status: no assertion criteria provided. Collection method: clinical testing. Allele origin: germline. Not counted in ClinVar's aggregate classification.
Comment: This variant is classified as likely benign based on ACMG/AMP sequence variant interpretation guidelines (Richards et al. 2015 PMID: 25741868, with internal and published modifications).